The following is an entry in ClinVar:

ClinVar aggregate classification (germline): Uncertain significance (1 of 4 stars; one submission).

Conditions:
Hereditary cancer-predisposing syndrome. Also called: Neoplastic Syndromes, Hereditary; Tumor predisposition; Hereditary neoplastic syndrome; Hereditary Cancer Syndrome. Identifiers: Orphanet 140162, MedGen C0027672, MeSH D009386, MONDO:0015356.

Submission:

Color Diagnostics, LLC DBA Color Health
Classification: Uncertain significance for Hereditary cancer-predisposing syndrome. Last evaluated: 2022-05-16. Review status: criteria provided, single submitter. Criteria: ACMG Guidelines, 2015. Collection method: clinical testing. Allele origin: germline.
Comment: The CDKN2A locus encodes two different gene products, p16INK4a and p14ARF. This missense variant replaces alanine with aspartic acid at codon 19 of the CDKN2A (p16INK4A) protein. Computational prediction is inconclusive regarding the impact of this variant on protein structure and function (internally defined REVEL score threshold 0.5 < inconclusive < 0.7, PMID: 27666373). To our knowledge, functional studies have not been reported for this variant. This variant has not been reported in individuals affected with hereditary cancer in the literature. This variant has not been identified in the general population by the Genome Aggregation Database (gnomAD). The available evidence is insufficient to determine the role of this variant in disease conclusively. Therefore, this variant is classified as a Variant of Uncertain Significance.

NM_000077.5(CDKN2A):c.56C>A (p.Ala19Asp)

Gene: CDKN2A (cyclin dependent kinase inhibitor 2A; minus strand). Cytogenetic location: 9p21.3.
Variant type: single nucleotide variant.
Coding change: c.56C>A on transcript NM_000077.5; coding-DNA position 56, C replaced by A.
Protein change: p.Ala19Asp; replaces alanine 19 with aspartic acid.
Molecular consequence: missense variant (on NM_000077.6). On other transcripts: intron variant (2).
Genome position (GRCh38, 1-based): chr9:21,974,772, G>T on the plus strand (C>A on the coding strand, the complement: CDKN2A is on the minus strand). VCF-style: chr9-21974772-G-T. GRCh37 (hg19) VCF-style: chr9-21974771-G-T.
Other names: c.56C>A, p.Ala19Asp (NM_000077.6, NM_001195132.2, NM_058197.5); c.-3-3564C>A (NM_001363763.2); c.194-3564C>A (NM_058195.4); short protein forms A19D.
Identifiers: ClinVar variation 2775057 (VCV002775057.2), dbSNP rs2131113390, ClinGen allele CA373086638.